The following is an entry in ClinVar:

NM_000287.4(PEX6):c.1231A>G (p.Met411Val)

Gene: PEX6 (peroxisomal biogenesis factor 6; minus strand). Cytogenetic location: 6p21.1.
Variant type: single nucleotide variant.
Coding change: c.1231A>G on transcript NM_000287.4 (MANE Select); coding-DNA position 1231, A replaced by G.
Protein change: p.Met411Val; replaces methionine 411 with valine.
Molecular consequence: missense variant. On other transcripts: non-coding transcript variant (1).
Genome position (GRCh38, 1-based): chr6:42,969,887, T>C on the plus strand (A>G on the coding strand, the complement: PEX6 is on the minus strand). VCF-style: chr6-42969887-T-C. GRCh37 (hg19) VCF-style: chr6-42937625-T-C.
Other names: c.967A>G, p.Met323Val (NM_001316313.2); c.1231A>G (NM_000287.3); short protein forms M411V, M323V.
Identifiers: ClinVar variation 593730 (VCV000593730.13), dbSNP rs752177240, ClinGen allele CA3811409.

ClinVar aggregate classification (germline): Conflicting classifications of pathogenicity. Review status: criteria provided, conflicting classifications (1 of 4 stars). 6 submissions from 6 submitters: Likely pathogenic (3); Uncertain significance (2). 1 of the submissions does not count toward it. Last evaluated 2025-11-11.

Conditions:
Peroxisome biogenesis disorder. Identifiers: Orphanet 79189, MedGen C1832200, MONDO:0019234. Disease mechanism: loss of function.
PEX6-related disorder. Also called: PEX6-related condition; PEX6-related disorders.
Zellweger spectrum disorders (ZS). Also called: Zellweger Spectrum Disorder; Zellweger Spectrum; Zellweger syndrome; Zellweger Spectrum Disorder (ZSD). Identifiers: Orphanet 912, MedGen C0043459, MONDO:0019609.
Heimler syndrome 2 (HMLR2). Also called: PEROXISOME BIOGENESIS DISORDER 4C. Identifiers: Orphanet 3220, MedGen C4225267, OMIM 616617, MONDO:0014709.

Allele frequency attached by ClinVar (database versions not stated): ExAC 0.00001; gnomAD 0.00001; gnomAD exomes 0.00001 and 0.00002; TOPMed 0.00001.
gnomAD v4.1: 23 of 1,614,032 alleles (0.0014%); highest among the groups gnomAD compares: South Asian, 0.0022%; 1 homozygote.

Submissions (6):

PreventionGenetics, part of Exact Sciences
Classification: Uncertain significance for PEX6-related condition. Last evaluated: 2025-11-11. Review status: criteria provided, single submitter. Criteria: ACMG Guidelines, 2015. Collection method: clinical testing. Allele origin: germline.
Comment: The PEX6 c.1231A>G variant is predicted to result in the amino acid substitution p.Met411Val. This variant has been reported to segregate with hearing loss in the compound heterozygous state along with a pathogenic variant in seven patients from a single family without other features of Zellweger syndrome; however, phase of these variants was not conclusively established (Cruz Marino et al 2022. PubMed ID: 34387732). This variant is reported in 0.0039% of alleles in individuals of European (non-Finnish) descent in gnomAD. However, in gnomAD v4 (available only on GRCh38), this variant is reported to include one homozygote in a South Asian subpopulation. This variant has conflicting classifications in ClinVar ranging from uncertain to likely pathogenic (Variation ID: 593730). Although we suspect that this variant may be pathogenic, at this time, the clinical significance of this variant is uncertain due to the absence of conclusive functional and genetic evidence.

Natera, Inc.
Classification: Likely pathogenic for Zellweger syndrome. Last evaluated: 2025-04-02. Review status: criteria provided, single submitter. Criteria: Natera Variant Classification Schema (03/2026). Collection method: clinical testing. Allele origin: germline.
Comment: The c.1231A>G variant in PEX6 is a missense variant predicted to cause substitution of methionine to valine at amino acid 411. This variant is rare in the general population with a frequency below the threshold expected for the associated phenotype(s). This variant has been observed in one or more individuals affected with the associated recessive disease, as either homozygous or compound heterozygous with a second variant (PMID: 34387732). Additionally, this variant has been observed to segregate in affected family members (PMID: 34387732). Multiple computational prediction algorithms suggest this variant is unlikely to affect gene or protein function. Given the available evidence, this variant is classified as Likely Pathogenic.

Women's Health and Genetics/Laboratory Corporation of America, LabCorp
Classification: Likely pathogenic for Peroxisome biogenesis disorder. Last evaluated: 2024-09-17. Review status: criteria provided, single submitter. Criteria: LabCorp Variant Classification Summary - May 2015. Collection method: clinical testing. Allele origin: germline.
Comment: Variant summary: PEX6 c.1231A>G (p.Met411Val) results in a conservative amino acid change in the encoded protein sequence. Five of five in-silico tools predict a benign effect of the variant on protein function. Consensus agreement among computation tools predict no significant impact on normal splicing. However, these predictions have yet to be confirmed by functional studies. The variant allele was found at a frequency of 1.2e-05 in 251484 control chromosomes. c.1231A>G has been reported in the literature in multiple compound heterozygous individuals affected with Zellweger Syndrome in a single report (Marino_2022). These data indicate that the variant is likely to be associated with disease. To our knowledge, no experimental evidence demonstrating an impact on protein function has been reported. The following publication has been ascertained in the context of this evaluation (PMID: 34387732). ClinVar contains an entry for this variant (Variation ID: 593730). Based on the evidence outlined above, the variant was classified as likely pathogenic.

Blueprint Genetics
Classification: Likely pathogenic for PEX6-related disorders. Last evaluated: 2024-01-09. Review status: criteria provided, single submitter. Criteria: ACMG Guidelines, 2015. Collection method: clinical testing. Allele origin: germline. Affected: yes. Observed: 5 variant alleles.

Eurofins Ntd Llc (ga)
Classification: Uncertain significance. Last evaluated: 2017-08-18. Review status: criteria provided, single submitter. Criteria: EGL Classification Definitions 2015. Collection method: clinical testing. Allele origin: germline. Observed: 1 variant allele, 1 heterozygote.

Service de Biologie Medicale, CIUSSS du Saguenay-Lac-Saint-Jean
Classification: Likely pathogenic for Heimler syndrome 2. Last evaluated: 2020-07-31. Review status: no assertion criteria provided. Collection method: clinical testing. Allele origin: inherited. Affected: yes. Observed: 7 variant alleles. Clinical features observed: Congenital hearing loss, bilateral hearing loss, sensorineural hearing loss, moderate to profound hearing loss. Not counted in ClinVar's aggregate classification.
Comment: Observed in 7 individuals belonging to the same family in a compound heterozygous state with PEX6 c.802_815del, p.(Asp268Cysfs*8.

Literature cited by the submitters: PubMed 34387732 (cited by Natera, Inc. and Women's Health and Genetics/Laboratory Corporation of America, LabCorp); DOI 10.1007/s00439-021-02332-w (cited by Service de Biologie Medicale, CIUSSS du Saguenay-Lac-Saint-Jean).